The following is an entry in ClinVar:

NM_006060.6(IKZF1):c.1193C>T (p.Thr398Met)

Gene: IKZF1 (IKAROS family zinc finger 1; plus strand). Cytogenetic location: 7p12.2.
Variant type: single nucleotide variant.
Coding change: c.1193C>T on transcript NM_006060.6 (MANE Select); coding-DNA position 1193, C replaced by T.
Protein change: p.Thr398Met; replaces threonine 398 with methionine.
Molecular consequence: missense variant.
Genome position (GRCh38, 1-based): chr7:50,400,260, C>T. VCF-style: chr7-50400260-C-T. GRCh37 (hg19) VCF-style: chr7-50467958-C-T.
Other names: c.1067C>T, p.Thr356Met (NM_001220765.3, NM_001291837.2); c.902C>T, p.Thr301Met (NM_001220767.2); c.932C>T, p.Thr311Met (NM_001220768.2, NM_001291838.2); c.776C>T, p.Thr259Met (NM_001220770.2); c.764C>T, p.Thr255Met (NM_001220771.2, NM_001291841.1); c.806C>T, p.Thr269Met (NM_001291839.2); c.503C>T, p.Thr168Met (NM_001291840.1); c.734C>T, p.Thr245Met (NM_001291842.1); and 3 more; short protein forms T168M, T203M, T213M, T245M, T255M, T259M, T269M, T301M.
Identifiers: ClinVar variation 3377776 (VCV003377776.1).

ClinVar aggregate classification (germline): Uncertain significance (1 of 4 stars; one submission).

Conditions:
Acute lymphoid leukemia (ALL). Also called: Acute lymphoblastic leukemia; Acute lymphocytic leukemia; Leukemia, acute lymphoblastic, somatic; Lymphoblastic leukemia. Identifiers: Orphanet 513, MedGen C0023449, MONDO:0004967, OMIM 613065, HP:0006721.

gnomAD v4.1: 2 of 1,611,342 alleles (0.00012%); highest among the groups gnomAD compares: Non-Finnish European, 0.00017%; no homozygotes.

Submission:

St. Jude Molecular Pathology, St. Jude Children's Research Hospital
Classification: Uncertain significance for Acute lymphoid leukemia. Last evaluated: 2024-03-15. Review status: criteria provided, single submitter. Criteria: St. Jude Assertion Criteria 2020. Collection method: clinical testing. Allele origin: germline.
Comment: The IKZF1 c.1193C>T (p.Thr398Met) missense change is absent in gnomAD v2.1.1. The in silico tool REVEL predicts a benign effect on protein function, but this prediction has not been confirmed by functional studies. To our knowledge, this variant has not been reported in individuals with immunodeficiency. In summary, the evidence currently available is insufficient to determine the clinical significance of this variant. It has therefore been classified as of uncertain significance.